The following is an entry in ClinVar:

NM_006231.4(POLE):c.5653G>T (p.Ala1885Ser)

Gene: POLE (DNA polymerase epsilon, catalytic subunit; minus strand). Cytogenetic location: 12q24.33.
Variant type: single nucleotide variant.
Coding change: c.5653G>T on transcript NM_006231.4 (MANE Select); coding-DNA position 5653, G replaced by T.
Protein change: p.Ala1885Ser; replaces alanine 1885 with serine.
Molecular consequence: missense variant.
Genome position (GRCh38, 1-based): chr12:132,638,039, C>A on the plus strand (G>T on the coding strand, the complement: POLE is on the minus strand). VCF-style: chr12-132638039-C-A. GRCh37 (hg19) VCF-style: chr12-133214625-C-A.
Other names: short protein forms A1885S.
Identifiers: ClinVar variation 540634 (VCV000540634.11), dbSNP rs748008084, ClinGen allele CA387373972.

ClinVar aggregate classification (germline): Uncertain significance. Review status: criteria provided, multiple submitters, no conflicts (2 of 4 stars). 2 submissions from 2 submitters: Uncertain significance (2). Last evaluated 2025-11-05.

Conditions:
Hereditary cancer-predisposing syndrome. Also called: Neoplastic Syndromes, Hereditary; Hereditary Cancer Syndrome; Hereditary neoplastic syndrome; Tumor predisposition. Identifiers: Orphanet 140162, MedGen C0027672, MeSH D009386, MONDO:0015356.

gnomAD v4.1: 1 of 1,613,988 alleles (0.000062%); highest among the groups gnomAD compares: African/African-American, 0.0013%; no homozygotes.

Submissions (2):

Labcorp Genetics (formerly Invitae), Labcorp
Classification: Uncertain significance. Last evaluated: 2025-11-05. Review status: criteria provided, single submitter. Criteria: Invitae Variant Classification Sherloc (09022015). Collection method: clinical testing. Allele origin: germline.
Comment: This sequence change replaces alanine, which is neutral and non-polar, with serine, which is neutral and polar, at codon 1885 of the POLE protein (p.Ala1885Ser). This variant is present in population databases (no rsID available, gnomAD 0.007%). This variant has not been reported in the literature in individuals affected with POLE-related conditions. ClinVar contains an entry for this variant (Variation ID: 540634). Invitae Evidence Modeling of protein sequence and biophysical properties (such as structural, functional, and spatial information, amino acid conservation, physicochemical variation, residue mobility, and thermodynamic stability) indicates that this missense variant is not expected to disrupt POLE protein function with a negative predictive value of 80%. In summary, the available evidence is currently insufficient to determine the role of this variant in disease. Therefore, it has been classified as a Variant of Uncertain Significance.

Ambry Genetics
Classification: Uncertain significance for Hereditary cancer-predisposing syndrome. Last evaluated: 2023-07-09. Review status: criteria provided, single submitter. Criteria: Ambry Variant Classification Scheme 2023. Collection method: clinical testing. Allele origin: germline.
Comment: The p.A1885S variant (also known as c.5653G>T), located in coding exon 41 of the POLE gene, results from a G to T substitution at nucleotide position 5653. The alanine at codon 1885 is replaced by serine, an amino acid with similar properties. This amino acid position is conserved. In addition, this alteration is predicted to be tolerated by in silico analysis. Since supporting evidence is limited at this time, the clinical significance of this alteration remains unclear.